The following is an entry in ClinVar:

ClinVar aggregate classification (germline): Conflicting classifications of pathogenicity. Review status: criteria provided, conflicting classifications (1 of 4 stars). 4 submissions from 4 submitters: Uncertain significance (2); Likely benign (1). 1 of the submissions does not count toward it. Last evaluated 2025-11-19.

Conditions:
Leber congenital amaurosis 12 (LCA12). Identifiers: Orphanet 65, MedGen C1857743, MONDO:0012525, OMIM 610612.
RD3-related disorder. Also called: RD3-related condition.
Inborn genetic diseases. Identifiers: MedGen C0950123, MeSH D030342.

Allele frequency attached by ClinVar (database versions not stated): gnomAD exomes 0.00005 and 0.00009; ExAC 0.00017; TOPMed 0.00030; 1000 Genomes Project 30x 0.00031; ESP Exome Variant Server 0.00031; gnomAD 0.00039 and 0.00044; 1000 Genomes Project 0.00040.
gnomAD v4.1: 128 of 1,604,050 alleles (0.008%); highest among the groups gnomAD compares: African/African-American, 0.12%; no homozygotes.

Submissions (4):

Ambry Genetics
Classification: Uncertain significance for Inborn genetic diseases. Last evaluated: 2025-11-19. Review status: criteria provided, single submitter. Criteria: Ambry Variant Classification Scheme 2023. Collection method: clinical testing. Allele origin: germline.

Labcorp Genetics (formerly Invitae), Labcorp
Classification: Uncertain significance for Leber congenital amaurosis 12. Last evaluated: 2025-02-03. Review status: criteria provided, single submitter. Criteria: Invitae Variant Classification Sherloc (09022015). Collection method: clinical testing. Allele origin: germline.
Comment: This sequence change replaces proline, which is neutral and non-polar, with serine, which is neutral and polar, at codon 109 of the RD3 protein (p.Pro109Ser). This variant is present in population databases (rs368257358, gnomAD 0.2%). This variant has not been reported in the literature in individuals affected with RD3-related conditions. ClinVar contains an entry for this variant (Variation ID: 1007256). An algorithm developed to predict the effect of missense changes on protein structure and function (PolyPhen-2) suggests that this variant is likely to be disruptive. In summary, the available evidence is currently insufficient to determine the role of this variant in disease. Therefore, it has been classified as a Variant of Uncertain Significance.

Blueprint Genetics
Classification: Likely benign. Last evaluated: 2023-02-08. Review status: criteria provided, single submitter. Criteria: ACMG Guidelines, 2015. Collection method: clinical testing. Allele origin: germline.

PreventionGenetics, part of Exact Sciences
Classification: Uncertain significance for RD3-related condition. Last evaluated: 2024-05-28. Review status: no assertion criteria provided. Collection method: clinical testing. Allele origin: germline. Not counted in ClinVar's aggregate classification.
Comment: The RD3 c.325C>T variant is predicted to result in the amino acid substitution p.Pro109Ser. To our knowledge, this variant has not been reported in the literature. This variant is reported in 0.16% of alleles in individuals of African descent in gnomAD. At this time, the clinical significance of this variant is uncertain due to the absence of conclusive functional and genetic evidence.

NM_001164688.2(RD3):c.325C>T (p.Pro109Ser)

Gene: RD3 (RD3 regulator of GUCY2D; minus strand). Cytogenetic location: 1q32.3.
Variant type: single nucleotide variant.
Coding change: c.325C>T on transcript NM_001164688.2 (MANE Select); coding-DNA position 325, C replaced by T.
Protein change: p.Pro109Ser; replaces proline 109 with serine.
Molecular consequence: missense variant.
Genome position (GRCh38, 1-based): chr1:211,479,299, G>A on the plus strand (C>T on the coding strand, the complement: RD3 is on the minus strand). VCF-style: chr1-211479299-G-A. GRCh37 (hg19) VCF-style: chr1-211652641-G-A.
Other names: c.325C>T, p.Pro109Ser (NM_183059.3); c.325C>T (NM_183059.2); short protein forms P109S.
Identifiers: ClinVar variation 1007256 (VCV001007256.8), dbSNP rs368257358, ClinGen allele CA1381086.
Genomic context (GRCh38, chr1:211,479,299, plus strand): 5'-TCCTCTCCAGGACCTCCTGCAGCACCGAGCGGAAGAGCTGGGACACCTCCTGCACCTCGG[G>A]CTCCTGCTCCGCCAGCAGCTGCCGGAACCTGGGCGGGAGGGGAGGGCGCTGGGGACATTC-3'
Protein context (NP_001158160.1, residues 99-119): RFRQLLAEQE[Pro109Ser]EVQEVSQLFR